The following is an entry in ClinVar:

NM_002109.6(HARS1):c.443_444dup (p.Arg149fs)

Gene: HARS1 (histidyl-tRNA synthetase 1; minus strand). Cytogenetic location: 5q31.3.
Variant type: Duplication.
Coding change: c.443_444dup on transcript NM_002109.6 (MANE Select); coding-DNA positions 443 to 444, 2 bases duplicated (AA; older notation c.443_444dupAA).
Protein change: p.Arg149fs; shifts the reading frame from arginine 149.
Molecular consequence: frameshift variant. On other transcripts: intron variant (2).
Genome position (GRCh38, 1-based): chr5:140,679,080-140,679,081, TT duplicated on the plus strand (AA on the coding strand, the reverse complement: HARS1 is on the minus strand); duplicating any 2 consecutive bases within chr5:140,679,080-140,679,082 gives the same sequence; the c. name uses the placement nearest the transcript's 3' end. VCF-style (leftmost placement, unchanged base first): chr5-140679079-G-GTT. GRCh37 (hg19) VCF-style: chr5-140058664-G-GTT.
Other names: c.323_324dup, p.Arg109fs (NM_001258040.3, NM_001258042.3); c.443_444dup, p.Arg149fs (NM_001258041.3); c.356_357dup, p.Arg120fs (NM_001289094.2); c.181-1066_181-1065dup (NM_001289093.2); c.301-1066_301-1065dup (NM_001289092.2); short protein forms R149fs, R109fs, R120fs.
Identifiers: ClinVar variation 2132513 (VCV002132513.4), dbSNP rs2481266424, ClinGen allele CA2580073055.

ClinVar aggregate classification (germline): Uncertain significance (1 of 4 stars; one submission).

Conditions:
Usher syndrome type 3B. Also called: USHER SYNDROME, TYPE IIIB. Identifiers: MedGen C3281066, MONDO:0013788, OMIM 614504.

Submission:

Labcorp Genetics (formerly Invitae), Labcorp
Classification: Uncertain significance for Usher syndrome type 3B. Last evaluated: 2022-05-01. Review status: criteria provided, single submitter. Criteria: Invitae Variant Classification Sherloc (09022015). Collection method: clinical testing. Allele origin: germline.
Comment: This variant is not present in population databases (gnomAD no frequency). In summary, the available evidence is currently insufficient to determine the role of this variant in disease. Therefore, it has been classified as a Variant of Uncertain Significance. Algorithms developed to predict the effect of sequence changes on RNA splicing suggest that this variant may disrupt the consensus splice site. This variant has not been reported in the literature in individuals affected with HARS-related conditions. This sequence change creates a premature translational stop signal (p.Arg149Asnfs*5) in the HARS gene. It is expected to result in an absent or disrupted protein product. However, the current clinical and genetic evidence is not sufficient to establish whether loss-of-function variants in HARS cause disease.